The following is an entry in ClinVar:

ClinVar aggregate classification (germline): Uncertain significance (1 of 4 stars; one submission).

Conditions:
RASopathy. Also called: Noonan spectrum disorder; rasopathies. Identifiers: Orphanet 536391, MedGen C5555857, MONDO:0021060.

Submission:

Labcorp Genetics (formerly Invitae), Labcorp
Classification: Uncertain significance for RASopathy. Last evaluated: 2021-10-26. Review status: criteria provided, single submitter. Criteria: Invitae Variant Classification Sherloc (09022015). Collection method: clinical testing. Allele origin: germline.
Comment: In summary, the available evidence is currently insufficient to determine the role of this variant in disease. Therefore, it has been classified as a Variant of Uncertain Significance. This variant has not been reported in the literature in individuals affected with RAF1-related conditions. This variant results in a copy number gain of the genomic region encompassing exon(s) 2-5 of the RAF1 gene. This region includes the initiator codon of the gene. This copy number gain extends beyond the assayed region for this gene and therefore may encompass additional genes. As the precise location of this event is unknown, it may be in tandem or it may be located elsewhere in the genome.

NC_000003.11:g.(?_12650245)_(12660220_?)dup

Gene: RAF1 (Raf-1 proto-oncogene, serine/threonine kinase; minus strand). Cytogenetic location: 3p25.2.
Variant type: Duplication.
Identifiers: ClinVar variation 2424562 (VCV002424562.4).